The following is an entry in ClinVar:

NM_001267550.2(TTN):c.66902A>G (p.Asn22301Ser)

Genes: TTN (titin; minus strand), TTN-AS1 (TTN antisense RNA 1; plus strand). Cytogenetic location: 2q31.2.
Variant type: single nucleotide variant.
Coding change: c.66902A>G on transcript NM_001267550.2 (MANE Select); coding-DNA position 66902, A replaced by G.
Protein change: p.Asn22301Ser; replaces asparagine 22301 with serine.
Molecular consequence: missense variant.
Genome position (GRCh38, 1-based): chr2:178,580,477, T>C on the plus strand (A>G on the coding strand, the complement: TTN is on the minus strand). VCF-style: chr2-178580477-T-C. GRCh37 (hg19) VCF-style: chr2-179445204-T-C.
Other names: c.61979A>G, p.Asn20660Ser (NM_001256850.1); c.39707A>G, p.Asn13236Ser (NM_003319.4); c.59198A>G, p.Asn19733Ser (NM_133378.4); c.40082A>G, p.Asn13361Ser (NM_133432.3); c.40283A>G, p.Asn13428Ser (NM_133437.4); c.66902A>G (NM_001267550.1); short protein forms N13236S, N22301S, N20660S, N13428S, N13361S, N19733S.
Identifiers: ClinVar variation 264523 (VCV000264523.10), dbSNP rs772823241, ClinGen allele CA1991403.
Genomic context (GRCh38, chr2:178,580,477, plus strand): 5'-CAGCGCAAGAAAGTGTCAAAGTCAGTTGACTTTATGTCCAGTCCAATCCTGTCTCTTAGA[T>C]TGACATTTGGTTTAGACCAAGTAATCTTTGGAGGTGGGCGTCCTTTTACTGGTACATATA-3'
Protein context (NP_001254479.2, residues 22291-22311): PKITWSKPNV[Asn22301Ser]LRDRIGLDIK

ClinVar aggregate classification (germline): Uncertain significance. Review status: criteria provided, multiple submitters, no conflicts (2 of 4 stars). 4 submissions from 4 submitters: Uncertain significance (4). Last evaluated 2024-10-30.

Conditions:
Cardiovascular phenotype. Identifiers: MedGen CN230736.

Allele frequency attached by ClinVar (database versions not stated): ExAC 0.00001; gnomAD exomes 0.00001 and 0.00003; TOPMed 0.00001; gnomAD 0.00002.
gnomAD v4.1: 49 of 1,612,972 alleles (0.003%); highest among the groups gnomAD compares: Non-Finnish European, 0.0039%; no homozygotes.

Submissions (4):

GeneDx
Classification: Uncertain significance. Last evaluated: 2024-10-30. Review status: criteria provided, single submitter. Criteria: GeneDx Variant Classification Process June 2021. Collection method: clinical testing. Allele origin: germline. Affected: yes.
Comment: Not observed at significant frequency in large population cohorts (gnomAD); Missense variant in a gene in which most reported pathogenic variants are truncating/loss of function; Has not been previously published as pathogenic or benign to our knowledge

Revvity Omics, Revvity
Classification: Uncertain significance. Last evaluated: 2022-12-08. Review status: criteria provided, single submitter. Criteria: ACMG Guidelines, 2015. Collection method: clinical testing. Allele origin: germline.

Athena Diagnostics
Classification: Uncertain significance. Last evaluated: 2021-04-23. Review status: criteria provided, single submitter. Criteria: Athena Diagnostics criteria. Collection method: clinical testing. Allele origin: unknown.

Ambry Genetics
Classification: Uncertain significance for Cardiovascular phenotype. Last evaluated: 2020-07-21. Review status: criteria provided, single submitter. Criteria: Ambry Variant Classification Scheme 2023. Collection method: clinical testing. Allele origin: germline.
Comment: The p.N13236S variant (also known as c.39707A>G), located in coding exon 144 of the TTN gene, results from an A to G substitution at nucleotide position 39707. The asparagine at codon 13236 is replaced by serine, an amino acid with highly similar properties. This amino acid position is well conserved in available vertebrate species. In addition, this alteration is predicted to be tolerated by in silico analysis. Since supporting evidence is limited at this time, the clinical significance of this variant remains unclear.